The following is an entry in ClinVar:

NC_000009.12:g.35658016_35658051dup

Gene: RMRP (RNA component of mitochondrial RNA processing endoribonuclease; minus strand). Cytogenetic location: 9p13.3.
Variant type: Duplication.
Genome position: GRCh38: chr9:35,658,016-35,658,051. GRCh37 (hg19): chr9:35,658,013-35,658,048.
Identifiers: ClinVar variation 580379 (VCV000580379.9), dbSNP rs1563907686, ClinGen allele CA587570181.

ClinVar aggregate classification (germline): Pathogenic/Likely pathogenic. Review status: criteria provided, multiple submitters, no conflicts (2 of 4 stars). 2 submissions from 2 submitters: Pathogenic (1); Likely pathogenic (1). Last evaluated 2025-07-21.

Conditions:
Anauxetic dysplasia. Identifiers: Orphanet 93347, MedGen C1846796, MONDO:0011773.
Metaphyseal chondrodysplasia, McKusick type (CHH). Also called: Cartilage-hair hypoplasia; Cartilage-Hair Hypoplasia (CHH). Identifiers: Orphanet 175, MedGen C0220748, MONDO:0009595, OMIM 250250.

Submissions (2):

Natera, Inc.
Classification: Likely pathogenic for Cartilage-hair hypoplasia. Last evaluated: 2025-07-21. Review status: criteria provided, single submitter. Criteria: Natera Variant Classification Schema (03/2026). Collection method: clinical testing. Allele origin: germline.
Comment: The n.-33_3dupCTATAAAATACTACTCTGTGAAGCTGAGGACGTGGT variant in RMRP, also known as NC_000009.12:g.35658016_35658051dup, is a duplication affecting the RMRP promoter region between the TATA box and the transcription initiation site. Other duplications and insertions just upstream of the transcription initiation site have been reported in individuals affected with cartilage-hair hypoplasia (PMID: 11207361, 17937437). This variant is rare in the general population with a frequency below the threshold expected for the associated phenotype(s). Given the available evidence, this variant is classified as Likely Pathogenic.

Labcorp Genetics (formerly Invitae), Labcorp
Classification: Pathogenic for Anauxetic dysplasia. Last evaluated: 2024-02-04. Review status: criteria provided, single submitter. Criteria: Invitae Variant Classification Sherloc (09022015). Collection method: clinical testing. Allele origin: germline.
Comment: This variant occurs in the RMRP gene, which encodes an RNA molecule that does not result in a protein product. This variant is not present in population databases (gnomAD no frequency). While this particular variant has not been reported in the literature, it is located in the promoter region between the TATA box and the transcription initiation site, and other insertions and duplications immediately upstream of the coding sequence have been reported in individuals affected with cartilage-hair hypoplasia-anauxetic dysplasia (CHH-AD) spectrum disorders (PMID: 16244706, 11207361, 12107819). ClinVar contains an entry for this variant (Variation ID: 580379). While functional studies for this variant have not been reported, experimental analyses using patient derived cells, as well as in vitro transfection studies, have shown that promoter insertions result in silencing of RMRP transcription and reduced expression of the gene product (PMID: 11207361, 16254002). For these reasons, this variant has been classified as Pathogenic.

Literature cited by the submitters: PubMed 11207361 (cited by Natera, Inc. and Labcorp Genetics (formerly Invitae), Labcorp); PubMed 17937437 (cited by Natera, Inc.); PubMed 16244706 (cited by Labcorp Genetics (formerly Invitae), Labcorp); PubMed 12107819 (cited by Labcorp Genetics (formerly Invitae), Labcorp); PubMed 16254002 (cited by Labcorp Genetics (formerly Invitae), Labcorp).